The following is an entry in ClinVar:

ClinVar aggregate classification (germline): Uncertain significance. Review status: criteria provided, multiple submitters, no conflicts (2 of 4 stars). 2 submissions from 2 submitters: Uncertain significance (2). Last evaluated 2026-03-19.

Conditions:
Hereditary cancer-predisposing syndrome. Also called: Tumor predisposition; Hereditary neoplastic syndrome; Neoplastic Syndromes, Hereditary; Hereditary Cancer Syndrome. Identifiers: Orphanet 140162, MedGen C0027672, MeSH D009386, MONDO:0015356.

Submissions (2):

Ambry Genetics
Classification: Uncertain significance for Hereditary cancer-predisposing syndrome. Last evaluated: 2026-03-19. Review status: criteria provided, single submitter. Criteria: Ambry Variant Classification Scheme 2023. Collection method: clinical testing. Allele origin: germline.
Comment: The p.L209H variant (also known as c.626T>A), located in coding exon 6 of the BRCA2 gene, results from a T to A substitution at nucleotide position 626. The leucine at codon 209 is replaced by histidine, an amino acid with similar properties. This amino acid position is well conserved in available vertebrate species. In addition, this alteration is predicted to be tolerated by in silico analysis. Based on the available evidence, the clinical significance of this variant remains unclear.

Color Diagnostics, LLC DBA Color Health
Classification: Uncertain significance for Hereditary cancer-predisposing syndrome. Last evaluated: 2019-04-20. Review status: criteria provided, single submitter. Criteria: ACMG Guidelines, 2015. Collection method: clinical testing. Allele origin: germline.

NM_000059.4(BRCA2):c.626T>A (p.Leu209His)

Gene: BRCA2 (BRCA2 DNA repair associated; plus strand). Cytogenetic location: 13q13.1.
Variant type: single nucleotide variant.
Coding change: c.626T>A on transcript NM_000059.4 (MANE Select); coding-DNA position 626, T replaced by A.
Protein change: p.Leu209His; replaces leucine 209 with histidine.
Molecular consequence: missense variant.
Genome position (GRCh38, 1-based): chr13:32,326,608, T>A. VCF-style: chr13-32326608-T-A. GRCh37 (hg19) VCF-style: chr13-32900745-T-A.
Other names: short protein forms L209H.
Identifiers: ClinVar variation 489767 (VCV000489767.5), dbSNP rs1555281105, ClinGen allele CA387758408.